The following is an entry in ClinVar:

NM_004722.4(AP4M1):c.129C>A (p.Asp43Glu)

Gene: AP4M1 (adaptor related protein complex 4 subunit mu 1; plus strand). Cytogenetic location: 7q22.1.
Variant type: single nucleotide variant.
Coding change: c.129C>A on transcript NM_004722.4 (MANE Select); coding-DNA position 129, C replaced by A.
Protein change: p.Asp43Glu; replaces aspartic acid 43 with glutamic acid.
Molecular consequence: missense variant.
Genome position (GRCh38, 1-based): chr7:100,101,950, C>A. VCF-style: chr7-100101950-C-A. GRCh37 (hg19) VCF-style: chr7-99699573-C-A.
Other names: c.129C>A, p.Asp43Glu (NM_001363671.2); short protein forms D43E.
Identifiers: ClinVar variation 471065 (VCV000471065.13), dbSNP rs760835879, ClinGen allele CA4374445.

ClinVar aggregate classification (germline): Uncertain significance. Review status: criteria provided, multiple submitters, no conflicts (2 of 4 stars). 3 submissions from 3 submitters: Uncertain significance (3). Last evaluated 2025-10-07.

Conditions:
Inborn genetic diseases. Identifiers: MedGen C0950123, MeSH D030342.
Hereditary spastic paraplegia 50 (SPG50). Also called: Spastic paraplegia 50, autosomal recessive. Identifiers: Orphanet 280763, MedGen C2752008, MONDO:0013048, OMIM 612936.

Allele frequency attached by ClinVar (database versions not stated): gnomAD exomes below 0.00001; ExAC 0.00001; gnomAD 0.00001; TOPMed 0.00002.

Submissions (3):

Ambry Genetics
Classification: Uncertain significance for Inborn genetic diseases. Last evaluated: 2025-10-07. Review status: criteria provided, single submitter. Criteria: Ambry Variant Classification Scheme 2023. Collection method: clinical testing. Allele origin: germline.

GeneDx
Classification: Uncertain significance. Last evaluated: 2025-07-24. Review status: criteria provided, single submitter. Criteria: GeneDx Variant Classification Process June 2021. Collection method: clinical testing. Allele origin: germline. Affected: yes.
Comment: Not observed at significant frequency in large population cohorts (gnomAD); In silico analysis suggests that this missense variant does not alter protein structure/function; Has not been previously published as pathogenic or benign to our knowledge

Labcorp Genetics (formerly Invitae), Labcorp
Classification: Uncertain significance for Hereditary spastic paraplegia 50. Last evaluated: 2022-05-17. Review status: criteria provided, single submitter. Criteria: Invitae Variant Classification Sherloc (09022015). Collection method: clinical testing. Allele origin: germline.
Comment: This sequence change replaces aspartic acid, which is acidic and polar, with glutamic acid, which is acidic and polar, at codon 43 of the AP4M1 protein (p.Asp43Glu). This variant is present in population databases (rs760835879, gnomAD 0.002%). This variant has not been reported in the literature in individuals affected with AP4M1-related conditions. ClinVar contains an entry for this variant (Variation ID: 471065). Algorithms developed to predict the effect of missense changes on protein structure and function output the following: SIFT: "Tolerated"; PolyPhen-2: "Benign"; Align-GVGD: "Class C0". The glutamic acid amino acid residue is found in multiple mammalian species, which suggests that this missense change does not adversely affect protein function. In summary, the available evidence is currently insufficient to determine the role of this variant in disease. Therefore, it has been classified as a Variant of Uncertain Significance.